The following is an entry in ClinVar:

NM_024642.5(GALNT12):c.138_139insTCCGGG (p.Gly46_Ala47insSerGly)

Gene: GALNT12 (polypeptide N-acetylgalactosaminyltransferase 12; plus strand). Cytogenetic location: 9q22.33.
Variant type: Insertion.
Coding change: c.138_139insTCCGGG on transcript NM_024642.5 (MANE Select); coding-DNA positions 138 to 139, TCCGGG inserted.
Protein change: p.Gly46_Ala47insSerGly.
Molecular consequence: inframe insertion.
Genome position: GRCh38 VCF-style: chr9-98807831-G-GCCGGGT. GRCh37 (hg19) VCF-style: chr9-101570113-G-GCCGGGT.
Identifiers: ClinVar variation 819047 (VCV000819047.14), dbSNP rs1220204419, ClinGen allele CA869113970.
Genomic context (GRCh38, chr9:98,807,831, plus strand): 5'-CTGGCGCTACTGGCGTTGGCCGGGCTGGGCTCGGTGCTGCGGGCGCAGCGTGGGGCCGGG[G>GCCGGGT]CCGGGGCTGCCGAGCCGGGACCCCCGCGCACCCCGCGCCCCGGGCGGCGCGAGCCGGTCA-3'

ClinVar aggregate classification (germline): Uncertain significance. Review status: criteria provided, multiple submitters, no conflicts (2 of 4 stars). 2 submissions from 2 submitters: Uncertain significance (2). Last evaluated 2025-07-02.

Submissions (2):

Labcorp Genetics (formerly Invitae), Labcorp
Classification: Uncertain significance. Last evaluated: 2025-07-02. Review status: criteria provided, single submitter. Criteria: Invitae Variant Classification Sherloc (09022015). Collection method: clinical testing. Allele origin: germline.
Comment: This variant, c.138_139insTCCGGG, results in the insertion of 2 amino acid(s) of the GALNT12 protein (p.Gly46_Ala47insSerGly), but otherwise preserves the integrity of the reading frame. The frequency data for this variant in the population databases is considered unreliable, as metrics indicate insufficient coverage at this position in the gnomAD database. This variant has not been reported in the literature in individuals affected with GALNT12-related conditions. ClinVar contains an entry for this variant (Variation ID: 819047). Experimental studies and prediction algorithms are not available or were not evaluated, and the functional significance of this variant is currently unknown. In summary, the available evidence is currently insufficient to determine the role of this variant in disease. Therefore, it has been classified as a Variant of Uncertain Significance.

Ambry Genetics
Classification: Uncertain significance. Last evaluated: 2023-10-30. Review status: criteria provided, single submitter. Criteria: Ambry Variant Classification Scheme 2023. Collection method: clinical testing. Allele origin: germline.
Comment: The c.138_139insTCCGGG variant (also known as p.G46_A47insSG), located in coding exon 1 of the GALNT12 gene, results from an in-frame TCCGGG insertion at nucleotide positions 138 to 139. This results in the in-frame insertion of a serine and glycine residue between codons 46 and 47. The amino acids in this region are not well conserved in available vertebrate species. The evidence for this gene-disease relationship is limited; therefore, the clinical significance of this alteration is unclear.